The following is an entry in ClinVar:

ClinVar aggregate classification (germline): Uncertain significance. Review status: criteria provided, multiple submitters, no conflicts (2 of 4 stars). 2 submissions from 2 submitters: Uncertain significance (2). Last evaluated 2025-02-04.

gnomAD v4.1: 3 of 1,613,814 alleles (0.00019%); highest among the groups gnomAD compares: Non-Finnish European, 0.00025%; no homozygotes.

Submissions (2):

GeneDx
Classification: Uncertain significance. Last evaluated: 2025-02-04. Review status: criteria provided, single submitter. Criteria: GeneDx Variant Classification Process June 2021. Collection method: clinical testing. Allele origin: germline. Affected: yes.
Comment: Not observed at significant frequency in large population cohorts (gnomAD); In silico analysis indicates that this missense variant does not alter protein structure/function; Has not been previously published as pathogenic or benign to our knowledge

Labcorp Genetics (formerly Invitae), Labcorp
Classification: Uncertain significance. Last evaluated: 2024-08-12. Review status: criteria provided, single submitter. Criteria: Invitae Variant Classification Sherloc (09022015). Collection method: clinical testing. Allele origin: germline.
Comment: This sequence change replaces proline, which is neutral and non-polar, with serine, which is neutral and polar, at codon 516 of the COL9A3 protein (p.Pro516Ser). This variant is not present in population databases (gnomAD no frequency). This variant has not been reported in the literature in individuals affected with COL9A3-related conditions. An algorithm developed to predict the effect of missense changes on protein structure and function (PolyPhen-2) suggests that this variant is likely to be disruptive. In summary, the available evidence is currently insufficient to determine the role of this variant in disease. Therefore, it has been classified as a Variant of Uncertain Significance.

NM_001853.4(COL9A3):c.1546C>T (p.Pro516Ser)

Genes: COL9A3 (collagen type IX alpha 3 chain; plus strand), LOC126863084 (MED14-independent group 3 enhancer GRCh37_chr20:61467141-61468340; plus strand). Cytogenetic location: 20q13.33.
Variant type: single nucleotide variant.
Coding change: c.1546C>T on transcript NM_001853.4 (MANE Select); coding-DNA position 1546, C replaced by T.
Protein change: p.Pro516Ser; replaces proline 516 with serine.
Molecular consequence: missense variant.
Genome position (GRCh38, 1-based): chr20:62,836,331, C>T. VCF-style: chr20-62836331-C-T. GRCh37 (hg19) VCF-style: chr20-61467683-C-T.
Other names: c.1546C>T (NM_001853.3); short protein forms P516S.
Identifiers: ClinVar variation 3007733 (VCV003007733.4), dbSNP rs781411607, ClinGen allele CA409598251.